The following is an entry in ClinVar:

ClinVar aggregate classification (germline): Uncertain significance. Review status: criteria provided, multiple submitters, no conflicts (2 of 4 stars). 2 submissions from 2 submitters: Uncertain significance (2). Last evaluated 2017-04-27.

Conditions:
Platelet-type bleeding disorder 10. Also called: CD36 DEFICIENCY. Identifiers: MedGen C1842090, MONDO:0012031, OMIM 608404.

Allele frequency attached by ClinVar (database versions not stated): gnomAD 0.00026 and 0.00027; TOPMed 0.00027; gnomAD exomes 0.00030 and 0.00031; 1000 Genomes Project 30x 0.00031; 1000 Genomes Project 0.00040; ExAC 0.00042; ESP Exome Variant Server 0.00046.
gnomAD v4.1: 480 of 1,613,646 alleles (0.03%); highest among the groups gnomAD compares: Middle Eastern, 0.28%; 1 homozygote.

Submissions (2):

Illumina Laboratory Services, Illumina
Classification: Uncertain significance for Platelet-type bleeding disorder 10. Last evaluated: 2017-04-27. Review status: criteria provided, single submitter. Criteria: ICSL Variant Classification Criteria 13 December 2019. Collection method: clinical testing. Allele origin: germline.
Comment: This variant was observed as part of a predisposition screen in an ostensibly healthy population. A literature search was performed for the gene, cDNA change, and amino acid change (where applicable). Publications were found based on this search. However, the evidence from the literature, in combination with allele frequency data from public databases where available, was not sufficient to rule this variant in or out of causing disease. Therefore, this variant is classified as a variant of unknown significance.

Breakthrough Genomics
Classification: Uncertain significance. Review status: criteria provided, single submitter. Criteria: ACMG Guidelines, 2015. Collection method: not provided. Allele origin: germline. Inheritance: Autosomal recessive inheritance. Affected: yes.

Literature cited by the submitters: PubMed 23856131 (cited by Illumina Laboratory Services, Illumina); PubMed 20722468 (cited by Illumina Laboratory Services, Illumina).

NM_001001548.3(CD36):c.572C>T (p.Pro191Leu)

Gene: CD36 (CD36 molecule (CD36 blood group); plus strand). Cytogenetic location: 7q21.11.
Variant type: single nucleotide variant.
Coding change: c.572C>T on transcript NM_001001548.3 (MANE Select); coding-DNA position 572, C replaced by T.
Protein change: p.Pro191Leu; replaces proline 191 with leucine.
Molecular consequence: missense variant. On other transcripts: non-coding transcript variant (1), intron variant (1).
Genome position (GRCh38, 1-based): chr7:80,663,132, C>T. VCF-style: chr7-80663132-C-T. GRCh37 (hg19) VCF-style: chr7-80292448-C-T.
Other names: c.572C>T, p.Pro191Leu (NM_000072.3, NM_001001547.3, NM_001127443.2 and 6 more transcripts); c.344C>T, p.Pro115Leu (NM_001289911.2); c.470C>T, p.Pro157Leu (NM_001371079.1); c.107C>T, p.Pro36Leu (NM_001371080.1, NM_001371081.1); c.430-1274C>T (NM_001289909.1); short protein forms P157L, P115L, P191L, P36L.
Identifiers: ClinVar variation 910696 (VCV000910696.5), dbSNP rs143150225, ClinGen allele CA4315237.